The following is an entry in ClinVar:

NM_000179.3(MSH6):c.3763G>C (p.Asp1255His)

Gene: MSH6 (mutS homolog 6; plus strand). Cytogenetic location: 2p16.3.
Variant type: single nucleotide variant.
Coding change: c.3763G>C on transcript NM_000179.3 (MANE Select); coding-DNA position 3763, G replaced by C.
Protein change: p.Asp1255His; replaces aspartic acid 1255 with histidine.
Molecular consequence: missense variant.
Genome position (GRCh38, 1-based): chr2:47,806,320, G>C. VCF-style: chr2-47806320-G-C. GRCh37 (hg19) VCF-style: chr2-48033459-G-C.
Other names: c.2857G>C, p.Asp953His (NM_001281493.2, NM_001281494.2); c.3373G>C, p.Asp1125His (NM_001281492.2); short protein forms D1125H, D953H, D1255H.
Identifiers: ClinVar variation 647730 (VCV000647730.14), dbSNP rs1336339961, ClinGen allele CA346761108.
Genomic context (GRCh38, chr2:47,806,320, plus strand): 5'-CTTGCTGAGACTATAAAATGTCGTACATTATTTTCAACTCACTACCATTCATTAGTAGAA[G>C]ATTATTCTCAAAATGTTGCTGTGCGCCTAGGACATATGGTATGTGCAAATTGTTTTTTTC-3'
Protein context (NP_000170.1, residues 1245-1265): FSTHYHSLVE[Asp1255His]YSQNVAVRLG

ClinVar aggregate classification (germline): Conflicting classifications of pathogenicity. Review status: criteria provided, conflicting classifications (1 of 4 stars). 2 submissions from 2 submitters: Uncertain significance (1); Likely benign (1). Last evaluated 2024-09-18.

Conditions:
Hereditary nonpolyposis colorectal neoplasms. Identifiers: MedGen C0009405, MeSH D003123.
Hereditary cancer-predisposing syndrome. Also called: Hereditary Cancer Syndrome; Tumor predisposition; Hereditary neoplastic syndrome; Neoplastic Syndromes, Hereditary. Identifiers: Orphanet 140162, MedGen C0027672, MeSH D009386, MONDO:0015356.

gnomAD v4.1: 2 of 1,614,114 alleles (0.00012%); highest among the groups gnomAD compares: South Asian, 0.0011%; no homozygotes.

Submissions (2):

Labcorp Genetics (formerly Invitae), Labcorp
Classification: Likely benign for Hereditary nonpolyposis colorectal neoplasms. Last evaluated: 2024-09-18. Review status: criteria provided, single submitter. Criteria: Invitae Variant Classification Sherloc (09022015). Collection method: clinical testing. Allele origin: germline.

Ambry Genetics
Classification: Uncertain significance for Hereditary cancer-predisposing syndrome. Last evaluated: 2024-03-18. Review status: criteria provided, single submitter. Criteria: Ambry Variant Classification Scheme 2023. Collection method: clinical testing. Allele origin: germline.
Comment: The p.D1255H variant (also known as c.3763G>C), located in coding exon 8 of the MSH6 gene, results from a G to C substitution at nucleotide position 3763. The aspartic acid at codon 1255 is replaced by histidine, an amino acid with similar properties. This amino acid position is well conserved in available vertebrate species. In addition, this alteration is predicted to be deleterious by in silico analysis. Since supporting evidence is limited at this time, the clinical significance of this alteration remains unclear.